The following is an entry in ClinVar:

ClinVar aggregate classification (germline): Uncertain significance. Review status: criteria provided, multiple submitters, no conflicts (2 of 4 stars). 3 submissions from 3 submitters: Uncertain significance (3). Last evaluated 2024-10-09.

Conditions:
Inborn genetic diseases. Identifiers: MedGen C0950123, MeSH D030342.
Nephronophthisis 18 (NPHP18). Identifiers: Orphanet 655, MedGen C3890591, MONDO:0014374, OMIM 615862.

Allele frequency attached by ClinVar (database versions not stated): ExAC 0.00001; gnomAD exomes 0.00001 and 0.00005; ESP Exome Variant Server 0.00017.
gnomAD v4.1: 69 of 1,611,760 alleles (0.0043%); highest among the groups gnomAD compares: Non-Finnish European, 0.0056%; no homozygotes.

Submissions (3):

Ambry Genetics
Classification: Uncertain significance for Inborn genetic diseases. Last evaluated: 2024-10-09. Review status: criteria provided, single submitter. Criteria: Ambry Variant Classification Scheme 2023. Collection method: clinical testing. Allele origin: germline.

Labcorp Genetics (formerly Invitae), Labcorp
Classification: Uncertain significance for Nephronophthisis 18. Last evaluated: 2022-07-19. Review status: criteria provided, single submitter. Criteria: Invitae Variant Classification Sherloc (09022015). Collection method: clinical testing. Allele origin: germline.
Comment: This sequence change replaces serine, which is neutral and polar, with cysteine, which is neutral and slightly polar, at codon 676 of the CEP83 protein (p.Ser676Cys). This variant is present in population databases (rs369894676, gnomAD 0.003%). This variant has not been reported in the literature in individuals affected with CEP83-related conditions. ClinVar contains an entry for this variant (Variation ID: 1501314). Algorithms developed to predict the effect of missense changes on protein structure and function are either unavailable or do not agree on the potential impact of this missense change (SIFT: "Not Available"; PolyPhen-2: "Benign"; Align-GVGD: "Not Available"). In summary, the available evidence is currently insufficient to determine the role of this variant in disease. Therefore, it has been classified as a Variant of Uncertain Significance.

GeneDx
Classification: Uncertain significance. Last evaluated: 2022-02-01. Review status: criteria provided, single submitter. Criteria: GeneDx Variant Classification Process June 2021. Collection method: clinical testing. Allele origin: germline. Affected: yes.
Comment: Not observed at significant frequency in large population cohorts (gnomAD); In silico analysis supports that this missense variant does not alter protein structure/function; Has not been previously published as pathogenic or benign to our knowledge

NM_016122.3(CEP83):c.2027C>G (p.Ser676Cys)

Gene: CEP83 (centrosomal protein 83; minus strand). Cytogenetic location: 12q22.
Variant type: single nucleotide variant.
Coding change: c.2027C>G on transcript NM_016122.3 (MANE Select); coding-DNA position 2027, C replaced by G.
Protein change: p.Ser676Cys; replaces serine 676 with cysteine.
Molecular consequence: missense variant. On other transcripts: non-coding transcript variant (2).
Genome position (GRCh38, 1-based): chr12:94,308,892, G>C on the plus strand (C>G on the coding strand, the complement: CEP83 is on the minus strand). VCF-style: chr12-94308892-G-C. GRCh37 (hg19) VCF-style: chr12-94702668-G-C.
Other names: c.2027C>G, p.Ser676Cys (NM_001042399.2, NM_001346457.2, NM_001368037.1 and 1 more transcripts); c.1715C>G, p.Ser572Cys (NM_001346458.2, NM_001346459.2, NM_001368039.1 and 1 more transcripts); c.1802C>G, p.Ser601Cys (NM_001368041.1); short protein forms S601C, S676C, S572C.
Identifiers: ClinVar variation 1501314 (VCV001501314.6), dbSNP rs369894676, ClinGen allele CA6721479.